The following is an entry in ClinVar:

ClinVar aggregate classification (germline): Uncertain significance. Review status: criteria provided, multiple submitters, no conflicts (2 of 4 stars). 3 submissions from 3 submitters: Uncertain significance (3). Last evaluated 2025-08-15.

Conditions:
Inborn genetic diseases. Identifiers: MedGen C0950123, MeSH D030342.

gnomAD v4.1: 2 of 1,549,420 alleles (0.00013%); highest among the groups gnomAD compares: Admixed American, 0.0018%; no homozygotes.

Submissions (3):

Dasa
Classification: Uncertain significance. Last evaluated: 2025-08-15. Review status: criteria provided, single submitter. Criteria: DASA Assertion Criteria. Collection method: clinical testing. Allele origin: germline.
Comment: NM_032119.4(ADGRV1):c.505C>G (p.Leu169Val) is a missense variant that results in the substitution of leucine with valine. This variant is rare in population databases. Computational prediction algorithms are consistent with a benign effect. The currently available literature and clinical evidence are not sufficient to establish a definitive association between this variant and the reported condition. Therefore, this variant is classified as a variant of uncertain significance.

Ambry Genetics
Classification: Uncertain significance for Inborn genetic diseases. Last evaluated: 2024-01-17. Review status: criteria provided, single submitter. Criteria: Ambry Variant Classification Scheme 2023. Collection method: clinical testing. Allele origin: germline.

Labcorp Genetics (formerly Invitae), Labcorp
Classification: Uncertain significance. Last evaluated: 2023-11-17. Review status: criteria provided, single submitter. Criteria: Invitae Variant Classification Sherloc (09022015). Collection method: clinical testing. Allele origin: germline.
Comment: This sequence change replaces leucine, which is neutral and non-polar, with valine, which is neutral and non-polar, at codon 169 of the ADGRV1 protein (p.Leu169Val). This variant is not present in population databases (gnomAD no frequency). This variant has not been reported in the literature in individuals affected with ADGRV1-related conditions. ClinVar contains an entry for this variant (Variation ID: 1953675). Advanced modeling of protein sequence and biophysical properties (such as structural, functional, and spatial information, amino acid conservation, physicochemical variation, residue mobility, and thermodynamic stability) performed at Invitae indicates that this missense variant is not expected to disrupt ADGRV1 protein function with a negative predictive value of 80%. In summary, the available evidence is currently insufficient to determine the role of this variant in disease. Therefore, it has been classified as a Variant of Uncertain Significance.

NM_032119.4(ADGRV1):c.505C>G (p.Leu169Val)

Gene: ADGRV1 (adhesion G protein-coupled receptor V1; plus strand). Cytogenetic location: 5q14.3.
Variant type: single nucleotide variant.
Coding change: c.505C>G on transcript NM_032119.4 (MANE Select); coding-DNA position 505, C replaced by G.
Protein change: p.Leu169Val; replaces leucine 169 with valine.
Molecular consequence: missense variant. On other transcripts: non-coding transcript variant (1).
Genome position (GRCh38, 1-based): chr5:90,622,648, C>G. VCF-style: chr5-90622648-C-G. GRCh37 (hg19) VCF-style: chr5-89918465-C-G.
Other names: c.505C>G (NM_032119.3); short protein forms L169V.
Identifiers: ClinVar variation 1953675 (VCV001953675.7), dbSNP rs952062982, ClinGen allele CA121822000.